The following is an entry in ClinVar:

ClinVar aggregate classification (germline): Uncertain significance (1 of 4 stars; one submission).

Conditions:
Dyskeratosis congenita, autosomal dominant 2. Identifiers: MedGen C3151443, MONDO:0013521, OMIM 613989.
Idiopathic Pulmonary Fibrosis. Also called: Idiopathic fibrosing alveolitis, chronic form; idiopathic fibrosing alveolitis. Identifiers: Orphanet 2032, MedGen C1800706, MeSH D054990, MONDO:0800504.

Submission:

Labcorp Genetics (formerly Invitae), Labcorp
Classification: Uncertain significance for Dyskeratosis congenita, autosomal dominant 2; Idiopathic Pulmonary Fibrosis. Last evaluated: 2025-12-26. Review status: criteria provided, single submitter. Criteria: Invitae Variant Classification Sherloc (09022015). Collection method: clinical testing. Allele origin: germline.
Comment: This sequence change replaces leucine, which is neutral and non-polar, with histidine, which is basic and polar, at codon 958 of the TERT protein (p.Leu958His). This variant is not present in population databases (gnomAD no frequency). This variant has not been reported in the literature in individuals affected with TERT-related conditions. Invitae Evidence Modeling of protein sequence and biophysical properties (such as structural, functional, and spatial information, amino acid conservation, physicochemical variation, residue mobility, and thermodynamic stability) indicates that this missense variant is expected to disrupt TERT protein function with a positive predictive value of 95%. In summary, the available evidence is currently insufficient to determine the role of this variant in disease. Therefore, it has been classified as a Variant of Uncertain Significance.

NM_198253.3(TERT):c.2873T>A (p.Leu958His)

Gene: TERT (telomerase reverse transcriptase; minus strand). Cytogenetic location: 5p15.33.
Variant type: single nucleotide variant.
Coding change: c.2873T>A on transcript NM_198253.3 (MANE Select); coding-DNA position 2873, T replaced by A.
Protein change: p.Leu958His; replaces leucine 958 with histidine.
Molecular consequence: missense variant. On other transcripts: non-coding transcript variant (2).
Genome position (GRCh38, 1-based): chr5:1,260,571, A>T on the plus strand (T>A on the coding strand, the complement: TERT is on the minus strand). VCF-style: chr5-1260571-A-T. GRCh37 (hg19) VCF-style: chr5-1260686-A-T.
Other names: c.2684T>A, p.Leu895His (NM_001193376.3); short protein forms L895H, L958H.
Identifiers: ClinVar variation 4783686 (VCV004783686.1).